The following is an entry in ClinVar:

ClinVar aggregate classification (germline): Benign/Likely benign. Review status: criteria provided, multiple submitters, no conflicts (2 of 4 stars). 2 submissions from 2 submitters: Benign (1); Likely benign (1). Last evaluated 2024-10-31.

Conditions:
Multiple endocrine neoplasia, type 1 (MEN1). Also called: MEN I; WERMER SYNDROME; Endocrine adenomatosis multiple; MEN 1; MEA I. Identifiers: Orphanet 652, MedGen C0025267, MeSH D018761, MONDO:0007540, OMIM 131100.

Submissions (2):

Myriad Genetics, Inc.
Classification: Benign for Multiple endocrine neoplasia, type 1. Last evaluated: 2024-10-31. Review status: criteria provided, single submitter. Criteria: Myriad Autosomal Dominant, Autosomal Recessive and X-Linked Classification Criteria (2023). Collection method: clinical testing. Allele origin: unknown.
Comment: This variant is considered benign. This variant is a silent/synonymous amino acid change and it is not expected to impact splicing.

Labcorp Genetics (formerly Invitae), Labcorp
Classification: Likely benign for Multiple endocrine neoplasia, type 1. Last evaluated: 2021-06-08. Review status: criteria provided, single submitter. Criteria: Invitae Variant Classification Sherloc (09022015). Collection method: clinical testing. Allele origin: germline.

NM_001370259.2(MEN1):c.189C>T (p.Phe63=)

Gene: MEN1 (menin 1; minus strand). Cytogenetic location: 11q13.1.
Variant type: single nucleotide variant.
Coding change: c.189C>T on transcript NM_001370259.2 (MANE Select); coding-DNA position 189, C replaced by T.
Protein change: p.Phe63=; no amino-acid change (phenylalanine 63 retained).
Molecular consequence: synonymous variant.
Genome position (GRCh38, 1-based): chr11:64,809,921, G>A on the plus strand (C>T on the coding strand, the complement: MEN1 is on the minus strand). VCF-style: chr11-64809921-G-A. GRCh37 (hg19) VCF-style: chr11-64577393-G-A.
Other names: c.189C>T, p.Phe63= (NM_000244.4, NM_001370251.2, NM_001370260.2 and 9 more transcripts).
Identifiers: ClinVar variation 1582034 (VCV001582034.9), dbSNP rs137880635, ClinGen allele CA475163870.